The following is an entry in ClinVar:

ClinVar aggregate classification (germline): Pathogenic. Review status: criteria provided, multiple submitters, no conflicts (2 of 4 stars). 9 submissions from 9 submitters: Pathogenic (9). Last evaluated 2026-04-01.
ClinVar aggregate classification (oncogenicity): Likely oncogenic (1 of 4 stars; one submission).

Conditions:
Hereditary cancer-predisposing syndrome. Also called: Neoplastic Syndromes, Hereditary; Tumor predisposition; Hereditary Cancer Syndrome; Hereditary neoplastic syndrome. Identifiers: Orphanet 140162, MedGen C0027672, MeSH D009386, MONDO:0015356.
Juvenile myelomonocytic leukemia (JMML). Also called: LEUKEMIA, JUVENILE MYELOMONOCYTIC, SOMATIC. Identifiers: Orphanet 86834, MedGen C0349639, MONDO:0011908, OMIM 607785, HP:0012209.
Neurofibromatosis, familial spinal (FSNF). Identifiers: Orphanet 636, MedGen C1834235, MONDO:0008078, OMIM 162210. Disease mechanism: loss of function.
Neurofibromatosis, type 1 (NF1). Also called: Peripheral type neurofibromatosis; VON RECKLINGHAUSEN DISEASE; NEUROFIBROMATOSIS, TYPE I, SOMATIC; Neurofibromatosis, type I. Identifiers: Orphanet 636, MedGen C0027831, MONDO:0018975, OMIM 162200. Disease mechanism: loss of function.
Neurofibromatosis-Noonan syndrome (NFNS). Also called: NEUROFIBROMATOSIS WITH NOONAN PHENOTYPE. Identifiers: Orphanet 638, MedGen C2931482, MONDO:0011035, OMIM 601321. Disease mechanism: loss of function.
Café-au-lait macules with pulmonary stenosis (WTSN). Also called: PULMONIC STENOSIS WITH CAFE-AU-LAIT SPOTS. Identifiers: MedGen C0553586, MONDO:0008672, OMIM 193520.
Neoplasm. Also called: Neoplasms; Neoplasm (disease); tumor. Identifiers: MedGen C0027651, MeSH D009369, MONDO:0005070, HP:0002664.

Submissions (10):

Department of Genetics, Sultan Qaboos University Hospital
Classification: Pathogenic for Neurofibromatosis, type 1. Last evaluated: 2026-04-01. Review status: criteria provided, single submitter. Criteria: ACMG Guidelines, 2015. Collection method: clinical testing. Allele origin: germline. Affected: yes. Observed: 1 variant allele.
Comment: PVS1,PM2,PP5_Very_Strong

Labcorp Genetics (formerly Invitae), Labcorp
Classification: Pathogenic for Neurofibromatosis, type 1. Last evaluated: 2025-08-13. Review status: criteria provided, single submitter. Criteria: Invitae Variant Classification Sherloc (09022015). Collection method: clinical testing. Allele origin: germline.
Comment: This sequence change creates a premature translational stop signal (p.Gln1378*) in the NF1 gene. It is expected to result in an absent or disrupted protein product. Loss-of-function variants in NF1 are known to be pathogenic (PMID: 10712197, 23913538). This variant is not present in population databases (gnomAD no frequency). This premature translational stop signal has been observed in individual(s) with neurofibromatosis, type 1 (PMID: 25074460, 30308447). This variant is also known as c.4195C>T, p.Gln1399*. ClinVar contains an entry for this variant (Variation ID: 428946). For these reasons, this variant has been classified as Pathogenic.

NHS Central & South Genomic Laboratory Hub
Classification: Pathogenic for Neurofibromatosis type 1. Last evaluated: 2025-04-09. Review status: criteria provided, single submitter. Criteria: ACMG Guidelines, 2015. Collection method: clinical testing. Allele origin: germline. Affected: yes.

Center for Genomic Medicine, Rigshospitalet, Copenhagen University Hospital
Classification: Likely oncogenic for Neoplasm. Last evaluated: 2025-03-04. Review status: criteria provided, single submitter. Criteria: ClinGen/CGC/VICC Guidelines for Oncogenicity, 2022. Collection method: clinical testing. Allele origin: somatic. Affected: yes.

Genome-Nilou Lab
Classification: Pathogenic for Neurofibromatosis, type 1. Last evaluated: 2022-03-15. Review status: criteria provided, single submitter. Criteria: ACMG Guidelines, 2015. Collection method: clinical testing. Allele origin: germline. Affected: no.

Fulgent Genetics
Classification: Pathogenic for Neurofibromatosis, type 1; Neurofibromatosis, familial spinal; Café-au-lait macules with pulmonary stenosis; Neurofibromatosis-Noonan syndrome; Juvenile myelomonocytic leukemia. Last evaluated: 2022-02-16. Review status: criteria provided, single submitter. Criteria: ACMG Guidelines, 2015. Collection method: clinical testing. Allele origin: unknown.

Genome Diagnostics Laboratory, The Hospital for Sick Children
Classification: Pathogenic for Neurofibromatosis, type 1. Last evaluated: 2020-10-26. Review status: criteria provided, single submitter. Criteria: ACMG Guidelines, 2015. Collection method: clinical testing. Allele origin: germline. Affected: yes.

Victorian Clinical Genetics Services, Murdoch Childrens Research Institute
Classification: Pathogenic for Neurofibromatosis, type 1. Last evaluated: 2020-10-19. Review status: criteria provided, single submitter. Criteria: ACMG Guidelines, 2015. Collection method: clinical testing. Allele origin: germline. Inheritance: Autosomal dominant inheritance. Affected: yes.
Comment: Based on the classification scheme VCGS_Germline_v1.3.3, this variant is classified as Pathogenic. Following criteria are met: 0102 - Loss of function is a known mechanism of disease in this gene and is associated with Neurofibromatosis-related conditions. (I) 0107 - This gene is associated with autosomal dominant disease. (I) 0201 - Variant is predicted to cause nonsense-mediated decay (NMD) and loss of protein (premature termination codon is located at least 54 nucleotides upstream of the final exon-exon junction). (SP) 0251 - This variant is heterozygous. (I) 0301 - Variant is absent from gnomAD (both v2 and v3). (SP) 0701 - Many other NMD predicted variants comparable to the one identified in this case have very strong previous evidence for pathogenicity (ClinVar). (SP) 0802 - This variant has moderate previous evidence of pathogenicity in unrelated individuals. It has been reported in multiple patients with neurofibromatosis (ClinVar, PMID: 30308447; PMID: 31776437). (SP) 0905 - No published segregation evidence has been identified for this variant. (I) 1007 - No published functional evidence has been identified for this variant. (I) 1208 - Inheritance information for this variant is not currently available in this individual. (I) Legend: (SP) - Supporting pathogenic, (I) - Information, (SB) - Supporting benign

ARUP Laboratories, Molecular Genetics and Genomics, ARUP Laboratories
Classification: Pathogenic. Last evaluated: 2016-12-21. Review status: criteria provided, single submitter. Criteria: ARUP Molecular Germline Variant Investigation Process. Collection method: clinical testing. Allele origin: germline.

Ambry Genetics
Classification: Pathogenic for Hereditary cancer-predisposing syndrome. Last evaluated: 2014-04-21. Review status: criteria provided, single submitter. Criteria: Ambry Autosomal Dominant and X-Linked criteria (10/2015). Collection method: clinical testing. Allele origin: germline. Observed: 1 variant allele.
Comment: The p.Q1399*pathogenic mutation (also known as c.4195C>T) located in coding exon 32 of the NF1 gene, results from a C to T substitution at nucleotide position 4195. This changes the amino acid from aglutamine to a stop codon within coding exon 32. Since premature stop codons are typically deleterious in nature, this alteration is interpreted as a disease-causing mutation (ACMG Recommendations for Standards for Interpretation and Reporting of Sequence Variations. Revision 2007. Genet Med. 2008;10:294).

Literature cited by the submitters: PubMed 10712197 (cited by Labcorp Genetics (formerly Invitae), Labcorp); PubMed 23913538 (cited by Labcorp Genetics (formerly Invitae), Labcorp); PubMed 25074460 (cited by Labcorp Genetics (formerly Invitae), Labcorp); PubMed 30308447 (cited by Labcorp Genetics (formerly Invitae), Labcorp and Victorian Clinical Genetics Services, Murdoch Childrens Research Institute); PubMed 34046057 (cited by Center for Genomic Medicine, Rigshospitalet, Copenhagen University Hospital); PubMed 31776437 (cited by Victorian Clinical Genetics Services, Murdoch Childrens Research Institute).

NM_001042492.3(NF1):c.4195C>T (p.Gln1399Ter)

Gene: NF1 (neurofibromin 1; plus strand). Cytogenetic location: 17q11.2.
Variant type: single nucleotide variant.
Coding change: c.4195C>T on transcript NM_001042492.3 (MANE Select); coding-DNA position 4195, C replaced by T.
Protein change: p.Gln1399Ter; replaces glutamine 1399 with a stop codon.
Molecular consequence: nonsense.
Genome position (GRCh38, 1-based): chr17:31,258,365, C>T. VCF-style: chr17-31258365-C-T. GRCh37 (hg19) VCF-style: chr17-29585383-C-T.
Other names: c.4132C>T, p.Gln1378Ter (NM_000267.4); short protein forms Q1378*, Q1399*.
Identifiers: ClinVar variation 428946 (VCV000428946.22), dbSNP rs1131691072, ClinGen allele CA398997588.